The following is an entry in ClinVar:

ClinVar aggregate classification (germline): Uncertain significance (1 of 4 stars; one submission).

Submission:

Labcorp Genetics (formerly Invitae), Labcorp
Classification: Uncertain significance. Last evaluated: 2025-07-27. Review status: criteria provided, single submitter. Criteria: Invitae Variant Classification Sherloc (09022015). Collection method: clinical testing. Allele origin: germline.
Comment: This sequence change creates a premature translational stop signal (p.Phe636Hisfs*71) in the TNNI3K gene. It is expected to result in an absent or disrupted protein product. However, the current clinical and genetic evidence is not sufficient to establish whether loss-of-function variants in TNNI3K cause disease. This variant is not present in population databases (gnomAD no frequency). This variant has not been reported in the literature in individuals affected with TNNI3K-related conditions. Experimental studies and prediction algorithms are not available or were not evaluated, and the functional significance of this variant is currently unknown. In summary, the available evidence is currently insufficient to determine the role of this variant in disease. Therefore, it has been classified as a Variant of Uncertain Significance.

NM_015978.3(TNNI3K):c.1905_1906del (p.Phe636fs)

Genes: FPGT-TNNI3K (FPGT-TNNI3K readthrough; plus strand), TNNI3K (TNNI3 interacting kinase; plus strand). Cytogenetic location: 1p31.1.
Variant type: Microsatellite.
Coding change: c.1905_1906del on transcript NM_015978.3 (MANE Select); coding-DNA positions 1905 to 1906, 2 bases deleted (GT; older notation c.1905_1906delGT).
Protein change: p.Phe636fs; shifts the reading frame from phenylalanine 636.
Molecular consequence: frameshift variant.
Genome position (GRCh38, 1-based): chr1:74,439,516-74,439,517, GT deleted; deleting any 2 consecutive bases within chr1:74,439,514-74,439,517 gives the same sequence; the c. name uses the placement nearest the transcript's 3' end. VCF-style (leftmost placement, unchanged base first): chr1-74439513-GGT-G. GRCh37 (hg19) VCF-style: chr1-74905197-GGT-G.
Other names: c.2208_2209del, p.Phe737fs (NM_001112808.3, NM_001199327.2); short protein forms F636fs, F737fs.
Identifiers: ClinVar variation 4773708 (VCV004773708.1).